The following is an entry in ClinVar:

NM_015176.4(FBXO28):c.719G>A (p.Gly240Glu)

Gene: FBXO28 (F-box protein 28; plus strand). Cytogenetic location: 1q42.11.
Variant type: single nucleotide variant.
Coding change: c.719G>A on transcript NM_015176.4 (MANE Select); coding-DNA position 719, G replaced by A.
Protein change: p.Gly240Glu; replaces glycine 240 with glutamic acid.
Molecular consequence: missense variant. On other transcripts: non-coding transcript variant (1).
Genome position (GRCh38, 1-based): chr1:224,157,358, G>A. VCF-style: chr1-224157358-G-A. GRCh37 (hg19) VCF-style: chr1-224345060-G-A.
Other names: c.523G>A, p.Asp175Asn (NM_001136115.3); short protein forms D175N, G240E.
Identifiers: ClinVar variation 4532677 (VCV004532677.1).

ClinVar aggregate classification (germline): Uncertain significance (1 of 4 stars; one submission).

gnomAD v4.1: 1 of 1,604,630 alleles (0.000062%); highest among the groups gnomAD compares: Non-Finnish European, 0.000085%; no homozygotes.

Submission:

GeneDx
Classification: Uncertain significance. Last evaluated: 2025-05-29. Review status: criteria provided, single submitter. Criteria: GeneDx Variant Classification Process June 2021. Collection method: clinical testing. Allele origin: germline. Affected: yes.
Comment: Not observed at significant frequency in large population cohorts (gnomAD); In silico analysis supports that this missense variant has a deleterious effect on protein structure/function; Has not been previously published as pathogenic or benign to our knowledge